The following is an entry in ClinVar:

ClinVar aggregate classification (germline): Pathogenic/Likely pathogenic. Review status: criteria provided, multiple submitters, no conflicts (2 of 4 stars). 17 submissions from 17 submitters: Pathogenic (14); Likely pathogenic (1). 2 of the submissions do not count toward it. Last evaluated 2026-02-19.

Conditions:
PAH-related disorder. Also called: PAH-related condition.
Phenylketonuria (PKU). Also called: FOLLING DISEASE; OLIGOPHRENIA PHENYLPYRUVICA; Phenylketonurias; Phenylketonuria (PKU). Identifiers: Orphanet 716, MedGen C0031485, MONDO:0009861, OMIM 261600. Disease mechanism: loss of function.

Allele frequency attached by ClinVar (database versions not stated): gnomAD 0.00009 and 0.00008; gnomAD exomes 0.00013 and 0.00007; ExAC 0.00003; TOPMed 0.00005; 1000 Genomes Project 0.00020; 1000 Genomes Project 30x 0.00031.
gnomAD v4.1: 202 of 1,612,970 alleles (0.013%); highest among the groups gnomAD compares: Non-Finnish European, 0.016%; no homozygotes.

Submissions 1 to 13 of 17:

PreventionGenetics, part of Exact Sciences
Classification: Pathogenic for PAH-related condition. Last evaluated: 2026-02-19. Review status: criteria provided, single submitter. Criteria: ACMG Guidelines, 2015. Collection method: clinical testing. Allele origin: germline.
Comment: The PAH c.1045T>C variant is predicted to result in the amino acid substitution p.Ser349Pro. This variant has previously been reported to abolish PAH protein activity and has been documented as causative for phenylalanine hydroxylase deficiency. In several studies, the c.1045T>C variant was associated with classical phenylketonuria (PKU) (e.g., Jeannesson-Thivisol et al. 2015. PubMed ID: 26666653; Couce et al. 2013. PubMed ID: 23500595; Eiken et al. 1996. PubMed ID: 8875186; Guldberg et al. 1998. PubMed ID: 9634518). This variant has also been reported to be non-responsive to tetrahydrobiopterin (BH4) (Zurflüh et al. 2008. PubMed ID: 17935162). This variant is interpreted as pathogenic by the majority of submitters to ClinVar. This variant is reported in 0.017% of alleles in individuals of Latino descent in gnomAD. Taken together, this variant is interpreted as pathogenic.

Labcorp Genetics (formerly Invitae), Labcorp
Classification: Pathogenic for Phenylketonuria. Last evaluated: 2026-01-28. Review status: criteria provided, single submitter. Criteria: Invitae Variant Classification Sherloc (09022015). Collection method: clinical testing. Allele origin: germline.
Comment: This sequence change replaces serine, which is neutral and polar, with proline, which is neutral and non-polar, at codon 349 of the PAH protein (p.Ser349Pro). This variant is present in population databases (rs62508646, gnomAD 0.02%). This missense change has been observed in individuals with mild or classic phenylketonuria, atypical phenylketonuria and hyperphenylalaninemia (PMID: 2063869, 7860062, 8268925, 8659548, 9399896, 9781015, 10479481, 17096675, 17935162, 18294361, 23500595, 23514811). ClinVar contains an entry for this variant (Variation ID: 615). Invitae Evidence Modeling of protein sequence and biophysical properties (such as structural, functional, and spatial information, amino acid conservation, physicochemical variation, residue mobility, and thermodynamic stability) indicates that this missense variant is expected to disrupt PAH protein function with a positive predictive value of 80%. Experimental studies have shown that this missense change affects PAH function (PMID: 7860062, 8095248, 17935162, 23500595). This variant disrupts the p.Ser349 amino acid residue in PAH. Other variant(s) that disrupt this residue have been determined to be pathogenic (PMID: 16256386, 24705691, 26666653, 27264808). This suggests that this residue is clinically significant, and that variants that disrupt this residue are likely to be disease-causing. For these reasons, this variant has been classified as Pathogenic.

Natera, Inc.
Classification: Pathogenic for Phenylketonuria. Last evaluated: 2026-01-15. Review status: criteria provided, single submitter. Criteria: Natera Variant Classification Schema (03/2026). Collection method: clinical testing. Allele origin: germline.
Comment: The c.1045T>C variant in PAH is a missense variant predicted to cause substitution of serine to proline at amino acid 349. This variant is rare in the general population with a frequency below the threshold expected for the associated phenotype(s). This variant has been observed in one or more individuals affected with the associated recessive disease, as either homozygous or compound heterozygous with a second variant (PMID: 27121329). This variant is located in a functionally critical region of the protein. Computational prediction algorithms indicate this variant is likely to affect gene or protein function. Given the available evidence, this variant is classified as Pathogenic.

CeGaT Center for Human Genetics Tuebingen
Classification: Pathogenic. Last evaluated: 2024-12-01. Review status: criteria provided, single submitter. Criteria: CeGaT Center For Human Genetics Tuebingen Variant Classification Criteria Version 2. Collection method: clinical testing. Allele origin: germline. Affected: yes. Observed: 1 variant allele.
Comment: PAH: PM3:Strong, PM2, PP4:Moderate, PP3, PS3:Supporting

Blueprint Genetics
Classification: Pathogenic for PAH-related disorders. Last evaluated: 2024-09-03. Review status: criteria provided, single submitter. Criteria: ACMG Guidelines, 2015. Collection method: clinical testing. Allele origin: germline. Affected: yes. Observed: 4 variant alleles.

Revvity Omics, Revvity
Classification: Pathogenic for Phenylketonuria. Last evaluated: 2024-08-07. Review status: criteria provided, single submitter. Criteria: ACMG Guidelines, 2015. Collection method: clinical testing. Allele origin: germline.

Mayo Clinic Laboratories, Mayo Clinic
Classification: Pathogenic. Last evaluated: 2024-01-30. Review status: criteria provided, single submitter. Criteria: ACMG Guidelines, 2015. Collection method: clinical testing. Allele origin: germline. Observed: 1 variant allele.
Comment: PP3, PP4, PM2, PM3_strong, PS3, PS4

Genetics and Molecular Pathology, SA Pathology
Classification: Pathogenic for Phenylketonuria. Last evaluated: 2022-01-13. Review status: criteria provided, single submitter. Criteria: ACMG Guidelines, 2015. Collection method: clinical testing. Allele origin: germline. Inheritance: Autosomal recessive inheritance. Affected: yes.

Fulgent Genetics
Classification: Pathogenic for Phenylketonuria. Last evaluated: 2021-09-02. Review status: criteria provided, single submitter. Criteria: ACMG Guidelines, 2015. Collection method: clinical testing. Allele origin: unknown.

GeneDx
Classification: Pathogenic. Last evaluated: 2021-06-15. Review status: criteria provided, single submitter. Criteria: GeneDx Variant Classification Process June 2021. Collection method: clinical testing. Allele origin: germline. Affected: yes.
Comment: Functional studies reported that this variant is associated with enzyme activity at the limits of detection (Knappskog et al. 1995; Gjetting et al., 2001); In silico analysis, which includes protein predictors and evolutionary conservation, supports a deleterious effect; Reported as not responsive to BH4 therapy (Zurfluh et al., 2008); This variant is associated with the following publications: (PMID: 22975760, 26666653, 27121329, 9450897, 29030855, 29749107, 30963030, 23500595, 17935162, 7860062, 24941924, 17924342, 28956315, 29288420, 30037505, 8095248, 2063869, 11161839, 25750018, 30375370, 1301193, 8659548, 8830172, 24705691, 22513348, 27535533, 21953985, 31589614)

Myriad Genetics, Inc.
Classification: Likely pathogenic for Phenylketonuria. Last evaluated: 2019-12-20. Review status: criteria provided, single submitter. Criteria: Myriad Women's Health Autosomal Recessive and X-Linked Classification Criteria (2019). Collection method: clinical testing. Allele origin: unknown.
Comment: NM_000277.1(PAH):c.1045T>C(S349P) is classified as likely pathogenic in the context of phenylalanine hydroxylase deficiency. Sources cited for classification include the following: PMID 22513348, 8095248, 1301193, 21953985 and 17935162. Classification of NM_000277.1(PAH):c.1045T>C(S349P) is based on the following criteria: There is strong evidence of association with the variant and the relevant disease and there is functional data showing deficient protein function. Please note: this variant was assessed in the context of healthy population screening.

Women's Health and Genetics/Laboratory Corporation of America, LabCorp
Classification: Pathogenic for Phenylketonuria. Last evaluated: 2019-01-28. Review status: criteria provided, single submitter. Criteria: LabCorp Variant Classification Summary - May 2015. Collection method: clinical testing. Allele origin: germline.
Comment: Variant summary: PAH c.1045T>C (p.Ser349Pro) results in a non-conservative amino acid change located in the Aromatic amino acid hydroxylase, C-terminal domain (IPR019774) of the encoded protein sequence. Five of five in-silico tools predict a damaging effect of the variant on protein function. The variant allele was found at a frequency of 6.1e-05 in 276958 control chromosomes (gnomAD). This frequency is not higher than expected for a pathogenic variant in PAH causing Phenylalanine Hydroxylase Deficiency (Phenylketonuria) (6.1e-05 vs 0.0079), allowing no conclusion about variant significance. c.1045T>C has been reported in the literature in multiple homozygous and compound heterozygous individuals affected with Phenylalanine Hydroxylase Deficiency (Phenylketonuria) (se e.g. Bueno 2013, Couce 2013). These data indicate that the variant is very likely to be associated with disease. Publications also reported experimental evidence evaluating an impact on protein function, concluding that the most pronounced variant effect results in ~1% of normal activity (see e.g. Bueno 2013, Zurfluh 2008). Six clinical diagnostic laboratories have submitted clinical-significance assessments for this variant to ClinVar after 2014 without evidence for independent evaluation. All laboratories classified the variant as pathogenic/likely pathogenic. Based on the evidence outlined above, the variant was classified as pathogenic.

Eurofins Ntd Llc (ga)
Classification: Pathogenic. Last evaluated: 2018-01-15. Review status: criteria provided, single submitter. Criteria: EGL Classification Definitions 2015. Collection method: clinical testing. Allele origin: germline. Observed: 14 variant alleles, 14 heterozygotes.

NM_000277.3(PAH):c.1045T>C (p.Ser349Pro)

Gene: PAH (phenylalanine hydroxylase; minus strand). Cytogenetic location: 12q23.2.
Variant type: single nucleotide variant.
Coding change: c.1045T>C on transcript NM_000277.3 (MANE Select); coding-DNA position 1045, T replaced by C.
Protein change: p.Ser349Pro; replaces serine 349 with proline.
Molecular consequence: missense variant.
Genome position (GRCh38, 1-based): chr12:102,844,356, A>G on the plus strand (T>C on the coding strand, the complement: PAH is on the minus strand). VCF-style: chr12-102844356-A-G. GRCh37 (hg19) VCF-style: chr12-103238134-A-G.
Other names: p.S349P:TCA>CCA; S349R; c.1045T>C (NM_000277.2); c.1045T>C, p.Ser349Pro (NM_001354304.2); short protein forms S349P.
Identifiers: ClinVar variation 615 (VCV000000615.120), dbSNP rs62508646, ClinGen allele CA251542.